The following is an entry in ClinVar:

ClinVar aggregate classification (germline): Uncertain significance. Review status: criteria provided, multiple submitters, no conflicts (2 of 4 stars). 3 submissions from 3 submitters: Uncertain significance (3). Last evaluated 2026-02-24.

Conditions:
DiGeorge syndrome. Also called: Catch22; THIRD AND FOURTH PHARYNGEAL POUCH SYNDROME. Identifiers: Orphanet 567, MedGen C0012236, MONDO:0008564, OMIM 188400.
Cardiovascular phenotype. Identifiers: MedGen CN230736.

Allele frequency attached by ClinVar (database versions not stated): gnomAD exomes 0.00001; TOPMed 0.00002; gnomAD 0.00004.
gnomAD v4.1: 16 of 1,612,698 alleles (0.00099%); highest among the groups gnomAD compares: African/African-American, 0.0013%; no homozygotes.

Submissions (3):

Ambry Genetics
Classification: Uncertain significance for Cardiovascular phenotype. Last evaluated: 2026-02-24. Review status: criteria provided, single submitter. Criteria: Ambry Variant Classification Scheme 2023. Collection method: clinical testing. Allele origin: germline.
Comment: The p.A173T variant (also known as c.517G>A), located in coding exon 4 of the TBX1 gene, results from a G to A substitution at nucleotide position 517. The alanine at codon 173 is replaced by threonine, an amino acid with similar properties. This amino acid position is highly conserved in available vertebrate species. In addition, this alteration is predicted to be deleterious by in silico analysis. Based on the available evidence, the clinical significance of this variant remains unclear.

Labcorp Genetics (formerly Invitae), Labcorp
Classification: Uncertain significance for DiGeorge syndrome. Last evaluated: 2024-09-10. Review status: criteria provided, single submitter. Criteria: Invitae Variant Classification Sherloc (09022015). Collection method: clinical testing. Allele origin: germline.
Comment: This sequence change replaces alanine, which is neutral and non-polar, with threonine, which is neutral and polar, at codon 173 of the TBX1 protein (p.Ala173Thr). This variant is present in population databases (no rsID available, gnomAD 0.003%). This variant has not been reported in the literature in individuals affected with TBX1-related conditions. ClinVar contains an entry for this variant (Variation ID: 955371). Invitae Evidence Modeling of protein sequence and biophysical properties (such as structural, functional, and spatial information, amino acid conservation, physicochemical variation, residue mobility, and thermodynamic stability) indicates that this missense variant is not expected to disrupt TBX1 protein function with a negative predictive value of 80%. In summary, the available evidence is currently insufficient to determine the role of this variant in disease. Therefore, it has been classified as a Variant of Uncertain Significance.

GeneDx
Classification: Uncertain significance. Last evaluated: 2022-08-31. Review status: criteria provided, single submitter. Criteria: GeneDx Variant Classification Process June 2021. Collection method: clinical testing. Allele origin: germline. Affected: yes.
Comment: In silico analysis supports that this missense variant has a deleterious effect on protein structure/function; Has not been previously published as pathogenic or benign to our knowledge

NM_001379200.1(TBX1):c.544G>A (p.Ala182Thr)

Gene: TBX1 (T-box transcription factor 1; plus strand). Cytogenetic location: 22q11.21.
Variant type: single nucleotide variant.
Coding change: c.544G>A on transcript NM_001379200.1 (MANE Select); coding-DNA position 544, G replaced by A.
Protein change: p.Ala182Thr; replaces alanine 182 with threonine.
Molecular consequence: missense variant.
Genome position (GRCh38, 1-based): chr22:19,764,159, G>A. VCF-style: chr22-19764159-G-A. GRCh37 (hg19) VCF-style: chr22-19751682-G-A.
Other names: c.517G>A, p.Ala173Thr (NM_005992.1, NM_080646.2, NM_080647.1); short protein forms A182T, A173T.
Identifiers: ClinVar variation 955371 (VCV000955371.11), dbSNP rs1342897153, ClinGen allele CA410682549.